The following is an entry in ClinVar:

NM_025114.4(CEP290):c.355C>T (p.Gln119Ter)

Gene: CEP290 (centrosomal protein 290; minus strand). Cytogenetic location: 12q21.32.
Variant type: single nucleotide variant.
Coding change: c.355C>T on transcript NM_025114.4 (MANE Select); coding-DNA position 355, C replaced by T.
Protein change: p.Gln119Ter; replaces glutamine 119 with a stop codon.
Molecular consequence: nonsense.
Genome position (GRCh38, 1-based): chr12:88,136,729, G>A on the plus strand (C>T on the coding strand, the complement: CEP290 is on the minus strand). VCF-style: chr12-88136729-G-A. GRCh37 (hg19) VCF-style: chr12-88530506-G-A.
Other names: short protein forms Q119*.
Identifiers: ClinVar variation 1071814 (VCV001071814.7), dbSNP rs2138215835, ClinGen allele CA385987566.
Genomic context (GRCh38, chr12:88,136,729, plus strand): 5'-CCAACTCCTTTTCCATGTCCTCCAATTCTCTATCTTTTTGTTCTAATTGTTTTTCAAGTT[G>A]GCAAATTTCATTACGTAAAAACCGAGTATCTCGTCCACCTGCAGACTGCTGAGCCATCTT-3'

ClinVar aggregate classification (germline): Pathogenic (1 of 4 stars; one submission).

Conditions:
Joubert syndrome. Also called: Familial aplasia of the vermis; CEREBELLOPARENCHYMAL DISORDER IV; JOUBERT-BOLTSHAUSER SYNDROME. Identifiers: Orphanet 475, MedGen C5979921, MONDO:0018772.
Meckel-Gruber syndrome. Also called: Dysencephalia splachnocystica; DYSENCEPHALIA SPLANCHNOCYSTICA; GRUBER SYNDROME. Identifiers: Orphanet 564, MedGen C0265215, MONDO:0018921.
Nephronophthisis. Also called: Juvenile Nephronophthisis. Identifiers: Orphanet 655, MedGen C0687120, MONDO:0019005, HP:0000090.

gnomAD v4.1: 1 of 1,613,422 alleles (0.000062%); no homozygotes.

Submission:

Labcorp Genetics (formerly Invitae), Labcorp
Classification: Pathogenic for Joubert syndrome; Meckel-Gruber syndrome; Nephronophthisis. Last evaluated: 2020-06-20. Review status: criteria provided, single submitter. Criteria: Invitae Variant Classification Sherloc (09022015). Collection method: clinical testing. Allele origin: germline.
Comment: This sequence change creates a premature translational stop signal (p.Gln119*) in the CEP290 gene. It is expected to result in an absent or disrupted protein product. This variant is not present in population databases (ExAC no frequency). For these reasons, this variant has been classified as Pathogenic. Loss-of-function variants in CEP290 are known to be pathogenic (PMID: 16909394, 17345604, 20690115, 25377065, 28559085). This variant has not been reported in the literature in individuals with CEP290-related conditions.

Literature cited by the submitters: PubMed 16909394; PubMed 17345604; PubMed 20690115; PubMed 25377065; PubMed 28559085.